The following is an entry in ClinVar:

NM_206933.4(USH2A):c.14941del (p.Leu4981fs)

Gene: USH2A (usherin; minus strand). Cytogenetic location: 1q41.
Variant type: Deletion.
Coding change: c.14941del on transcript NM_206933.4 (MANE Select); coding-DNA position 14941, one base deleted (C; older notation c.14941delC).
Protein change: p.Leu4981fs; shifts the reading frame from leucine 4981.
Molecular consequence: frameshift variant.
Genome position (GRCh38, 1-based): chr1:215,640,585, G deleted on the plus strand (C on the coding strand, the reverse complement: USH2A is on the minus strand); the first of 3 consecutive G bases (chr1:215,640,585-215,640,587); deleting any one gives the same sequence. VCF-style (leftmost placement, unchanged base first): chr1-215640584-AG-A. GRCh37 (hg19) VCF-style: chr1-215813926-AG-A.
Other names: short protein forms L4981fs.
Identifiers: ClinVar variation 2024733 (VCV002024733.4), dbSNP rs2464788893, ClinGen allele CA2580062072.

ClinVar aggregate classification (germline): Pathogenic (1 of 4 stars; one submission).

Submission:

Labcorp Genetics (formerly Invitae), Labcorp
Classification: Pathogenic. Last evaluated: 2022-08-31. Review status: criteria provided, single submitter. Criteria: Invitae Variant Classification Sherloc (09022015). Collection method: clinical testing. Allele origin: germline.
Comment: For these reasons, this variant has been classified as Pathogenic. This variant has not been reported in the literature in individuals affected with USH2A-related conditions. This sequence change creates a premature translational stop signal (p.Leu4981Serfs*28) in the USH2A gene. It is expected to result in an absent or disrupted protein product. Loss-of-function variants in USH2A are known to be pathogenic (PMID: 10729113, 10909849, 20507924, 25649381). This variant is not present in population databases (gnomAD no frequency).

Literature cited by the submitters: PubMed 10729113; PubMed 10909849; PubMed 20507924; PubMed 25649381.